The following is an entry in ClinVar:

NM_001184.4(ATR):c.907T>C (p.Phe303Leu)

Gene: ATR (ATR checkpoint kinase; minus strand). Cytogenetic location: 3q23.
Variant type: single nucleotide variant.
Coding change: c.907T>C on transcript NM_001184.4 (MANE Select); coding-DNA position 907, T replaced by C.
Protein change: p.Phe303Leu; replaces phenylalanine 303 with leucine.
Molecular consequence: missense variant.
Genome position (GRCh38, 1-based): chr3:142,562,495, A>G on the plus strand (T>C on the coding strand, the complement: ATR is on the minus strand). VCF-style: chr3-142562495-A-G. GRCh37 (hg19) VCF-style: chr3-142281337-A-G.
Other names: c.907T>C, p.Phe303Leu (NM_001354579.2); short protein forms F303L.
Identifiers: ClinVar variation 3221310 (VCV003221310.1), dbSNP rs1024346239, ClinGen allele CA84755646.

ClinVar aggregate classification (germline): Uncertain significance (1 of 4 stars; one submission).

Conditions:
Inborn genetic diseases. Identifiers: MedGen C0950123, MeSH D030342.

Allele frequency attached by ClinVar (database versions not stated): gnomAD exomes below 0.00001; TOPMed 0.00001.
gnomAD v4.1: 3 of 1,614,132 alleles (0.00019%); highest among the groups gnomAD compares: Admixed American, 0.0017%; no homozygotes.

Submission:

Ambry Genetics
Classification: Uncertain significance for Inborn genetic diseases. Last evaluated: 2024-03-04. Review status: criteria provided, single submitter. Criteria: Ambry Variant Classification Scheme 2023. Collection method: clinical testing. Allele origin: germline.
Comment: The p.F303L variant (also known as c.907T>C), located in coding exon 4 of the ATR gene, results from a T to C substitution at nucleotide position 907. The phenylalanine at codon 303 is replaced by leucine, an amino acid with highly similar properties. This amino acid position is conserved. In addition, this alteration is predicted to be tolerated by in silico analysis. Based on the available evidence, the clinical significance of this alteration remains unclear.